The following is an entry in ClinVar:

ClinVar aggregate classification (germline): Likely pathogenic (1 of 4 stars; one submission).

Submission:

Dasa
Classification: Likely pathogenic. Last evaluated: 2025-07-11. Review status: criteria provided, single submitter. Criteria: DASA Assertion Criteria. Collection method: clinical testing. Allele origin: germline.
Comment: NM_006586.5(CNPY3):c.152-1G>A affects a canonical splice site and is predicted to disrupt normal RNA splicing. Loss of function is an established disease mechanism for CNPY3-associated disorders. Also, this variant is absent from population databases. Based on the currently available evidence, this variant is classified as likely pathogenic.

NM_006586.5(CNPY3):c.152-1G>A

Genes: CNPY3 (canopy FGF signaling regulator 3; plus strand), CNPY3-GNMT (CNPY3-GNMT readthrough; plus strand). Cytogenetic location: 6p21.1.
Variant type: single nucleotide variant.
Coding change: c.152-1G>A on transcript NM_006586.5 (MANE Select); the canonical splice acceptor site of the intron before coding-DNA position 152, G replaced by A.
Molecular consequence: splice acceptor variant. On other transcripts: non-coding transcript variant (1), intron variant (4).
Genome position (GRCh38, 1-based): chr6:42,934,474, G>A. VCF-style: chr6-42934474-G-A. GRCh37 (hg19) VCF-style: chr6-42902212-G-A.
Other names: c.152-1G>A (NM_001318842.1, NM_001318847.2, NM_001318848.2); c.9-1100G>A (NM_001318845.1); c.8+4753G>A (NM_001318856.2); c.151+4753G>A (NM_001318857.2, NM_001318858.2).
Identifiers: ClinVar variation 4880998 (VCV004880998.2).